The following is an entry in ClinVar:

NM_000045.4(ARG1):c.306-1_307dup

Genes: ARG1 (arginase 1; plus strand), MED23 (mediator complex subunit 23; minus strand). Cytogenetic location: 6q23.2.
Variant type: Duplication.
Coding change: c.306-1_307dup on transcript NM_000045.4 (MANE Select); the canonical splice acceptor site of the intron before coding-DNA position 306 through coding-DNA position 307, 3 bases duplicated (GTT; older notation c.306-1_307dupGTT).
Molecular consequence: splice acceptor variant. On other transcripts: intron variant (3).
Genome position (GRCh38, 1-based): chr6:131,581,218-131,581,220, GTT duplicated. VCF-style (leftmost placement, unchanged base first): chr6-131581217-A-AGTT. GRCh37 (hg19) VCF-style: chr6-131902357-A-AGTT.
Other names: c.330-1_331dup (NM_001244438.2); c.306-1842_306-1840dup (NM_001369020.1); c.4077+6489_4077+6491dup (NM_001270521.2); c.4095+6489_4095+6491dup (NM_015979.4).
Identifiers: ClinVar variation 2785492 (VCV002785492.4), dbSNP rs2482368042, ClinGen allele CA2739266138.

ClinVar aggregate classification (germline): Uncertain significance. Review status: criteria provided, multiple submitters, no conflicts (2 of 4 stars). 2 submissions from 2 submitters: Uncertain significance (2). Last evaluated 2025-05-12.

Conditions:
Arginase deficiency. Also called: ARGININEMIA; ARG1 DEFICIENCY; Arginase 1 Deficiency. Identifiers: Orphanet 90, MedGen C0268548, MONDO:0008814, OMIM 207800.

Submissions (2):

GeneDx
Classification: Uncertain significance. Last evaluated: 2025-05-12. Review status: criteria provided, single submitter. Criteria: GeneDx Variant Classification Process June 2021. Collection method: clinical testing. Allele origin: germline. Affected: yes.
Comment: In-frame duplication of 1 amino acid in a non-repeat region; Not observed at significant frequency in large population cohorts (gnomAD); Has not been previously published as pathogenic or benign to our knowledge

Labcorp Genetics (formerly Invitae), Labcorp
Classification: Uncertain significance for Arginase deficiency. Last evaluated: 2023-10-10. Review status: criteria provided, single submitter. Criteria: Invitae Variant Classification Sherloc (09022015). Collection method: clinical testing. Allele origin: germline.
Comment: This variant, c.306-1_307dup, results in the insertion of 1 amino acid(s) of the ARG1 protein (p.Ser102_Leu103insCys), but otherwise preserves the integrity of the reading frame. This variant is not present in population databases (gnomAD no frequency). This variant has been observed in individual(s) with a positive newborn screening result for ARG1-related disease (Invitae). Experimental studies and prediction algorithms are not available or were not evaluated, and the functional significance of this variant is currently unknown. In summary, the available evidence is currently insufficient to determine the role of this variant in disease. Therefore, it has been classified as a Variant of Uncertain Significance.